The following is an entry in ClinVar:

NM_000059.4(BRCA2):c.3593A>C (p.Asn1198Thr)

Gene: BRCA2 (BRCA2 DNA repair associated; plus strand). Cytogenetic location: 13q13.1.
Variant type: single nucleotide variant.
Coding change: c.3593A>C on transcript NM_000059.4 (MANE Select); coding-DNA position 3593, A replaced by C.
Protein change: p.Asn1198Thr; replaces asparagine 1198 with threonine.
Molecular consequence: missense variant.
Genome position (GRCh38, 1-based): chr13:32,337,948, A>C. VCF-style: chr13-32337948-A-C. GRCh37 (hg19) VCF-style: chr13-32912085-A-C.
Other names: short protein forms N1198T.
Identifiers: ClinVar variation 996234 (VCV000996234.3), dbSNP rs780927790, ClinGen allele CA387777448.

ClinVar aggregate classification (germline): Conflicting classifications of pathogenicity. Review status: criteria provided, conflicting classifications (1 of 4 stars). 2 submissions from 2 submitters: Uncertain significance (1); Likely benign (1). Last evaluated 2023-03-23.

Conditions:
Hereditary cancer-predisposing syndrome. Also called: Neoplastic Syndromes, Hereditary; Hereditary Cancer Syndrome; Tumor predisposition; Hereditary neoplastic syndrome. Identifiers: Orphanet 140162, MedGen C0027672, MeSH D009386, MONDO:0015356.

Submissions (2):

University of Washington Department of Laboratory Medicine, University of Washington
Classification: Likely benign for Hereditary cancer-predisposing syndrome. Last evaluated: 2023-03-23. Review status: criteria provided, single submitter. Criteria: Dines et al. (Genet Med. 2020). Collection method: curation. Allele origin: germline.
Comment: Missense variant in a coldspot region where missense variants are very unlikely to be pathogenic (PMID:31911673).

BRCA2 exon 11 coldspot. Reclassification based on statistical prior probability.

Women's Health and Genetics/Laboratory Corporation of America, LabCorp
Classification: Uncertain significance. Last evaluated: 2021-01-29. Review status: criteria provided, single submitter. Criteria: LabCorp Variant Classification Summary - May 2015. Collection method: clinical testing. Allele origin: germline.
Comment: Variant summary: BRCA2 c.3593A>C (p.Asn1198Thr) results in a non-conservative amino acid change in the encoded protein sequence. Four of five in-silico tools predict a benign effect of the variant on protein function. The variant was absent in 251042 control chromosomes. The available data on variant occurrences in the general population are insufficient to allow any conclusion about variant significance. To our knowledge, no occurrence of c.3593A>C in individuals affected with Hereditary Breast And Ovarian Cancer Syndrome and no experimental evidence demonstrating its impact on protein function have been reported. No clinical diagnostic laboratories have submitted clinical-significance assessments for this variant to ClinVar after 2014. Based on the evidence outlined above, the variant was classified as uncertain significance.